The following is an entry in ClinVar:

NM_001371623.1(TCOF1):c.1916del (p.Pro639fs)

Gene: TCOF1 (treacle ribosome biogenesis factor 1; plus strand). Cytogenetic location: 5q32.
Variant type: Deletion.
Coding change: c.1916del on transcript NM_001371623.1 (MANE Select); coding-DNA position 1916, one base deleted (C; older notation c.1916delC).
Protein change: p.Pro639fs; shifts the reading frame from proline 639.
Molecular consequence: frameshift variant.
Genome position (GRCh38, 1-based): chr5:150,376,104, C deleted; the last of 2 consecutive C bases (chr5:150,376,103-150,376,104); deleting either gives the same sequence. VCF-style (leftmost placement, unchanged base first): chr5-150376102-TC-T. GRCh37 (hg19) VCF-style: chr5-149755665-TC-T.
Other names: c.1685del, p.Pro562fs (NM_000356.4, NM_001135245.2); c.1916del, p.Pro639fs (NM_001008657.3, NM_001135243.2, NM_001135244.2 and 1 more transcripts); short protein forms P562fs, P639fs.
Identifiers: ClinVar variation 1334492 (VCV001334492.4), dbSNP rs2150732608, ClinGen allele CA2573052465.
Genomic context (GRCh38, chr5:150,376,102, plus strand): 5'-TTCAGGAACCTTCTCCAGCCTTTCTTTGGTGTCCCCTCAGGCAAAACCAGCTCTGAAAAT[TC>T]CTCAGACCAAGGCCTGCCCAAAGAAAACCAATACCACTGCATCTGCCAAGGTCGCCCCTG-3'

ClinVar aggregate classification (germline): Likely pathogenic (1 of 4 stars; one submission).

Conditions:
Treacher Collins syndrome 1 (TCS1). Also called: TCOF1-Related Treacher Collins Syndrome. Identifiers: Orphanet 861, MedGen CN315775, MONDO:0007944, OMIM 154500.

Submission:

Greenwood Genetic Center Diagnostic Laboratories, Greenwood Genetic Center
Classification: Likely pathogenic for Treacher Collins syndrome 1. Last evaluated: 2021-04-01. Review status: criteria provided, single submitter. Criteria: ACMG Guidelines, 2015. Collection method: clinical testing. Allele origin: germline. Affected: yes.
Comment: PVS1, PM2